The following is an entry in ClinVar:

NM_001377265.1(MAPT):c.1186C>T (p.His396Tyr)

Gene: MAPT (microtubule associated protein tau). Cytogenetic location: 17q21.31.
Variant type: single nucleotide variant.
Coding change: c.1186C>T on transcript NM_001377265.1 (MANE Select); coding-DNA position 1186, C replaced by T.
Protein change: p.His396Tyr; replaces histidine 396 with tyrosine.
Molecular consequence: missense variant. On other transcripts: intron variant (8).
Genome position (GRCh38, 1-based): chr17:45,983,765, C>T. VCF-style: chr17-45983765-C-T. GRCh37 (hg19) VCF-style: chr17-44061131-C-T.
Other names: c.961C>T, p.His321Tyr (NM_001123066.4, NM_016835.5); c.1186C>T, p.His396Tyr (NM_001377266.1); c.200-3275C>T (NM_001377268.1, NM_016834.5, NM_016841.5); c.374-3275C>T (NM_005910.6, NM_001203252.2); c.287-3275C>T (NM_001123067.4, NM_001203251.2, NM_001377267.1); short protein forms H321Y, H396Y.
Identifiers: ClinVar variation 2635948 (VCV002635948.1), dbSNP rs375988437, ClinGen allele CA8617807.

ClinVar aggregate classification (germline): Uncertain significance (1 of 4 stars; one submission).

Conditions:
MAPT-related disorder. Also called: MAPT-related condition; MAPT-Related Disorders.

Allele frequency attached by ClinVar (database versions not stated): ExAC 0.00003; TOPMed 0.00003; gnomAD 0.00005; gnomAD exomes 0.00007; ESP Exome Variant Server 0.00008.
gnomAD v4.1: 107 of 1,614,016 alleles (0.0066%); highest among the groups gnomAD compares: Non-Finnish European, 0.0085%; no homozygotes.

Submission:

PreventionGenetics, part of Exact Sciences
Classification: Uncertain significance for MAPT-related condition. Last evaluated: 2023-05-18. Review status: criteria provided, single submitter. Criteria: ACMG Guidelines, 2015. Collection method: clinical testing. Allele origin: germline.
Comment: The MAPT c.961C>T variant is predicted to result in the amino acid substitution p.His321Tyr. To our knowledge, this variant has not been reported in the literature. This variant is reported in 0.0053% of alleles in individuals of European (Non-Finnish) descent in gnomAD. At this time, the clinical significance of this variant is uncertain due to the absence of conclusive functional and genetic evidence.